The following is an entry in ClinVar:

NM_003172.4(SURF1):c.588G>A (p.Gln196=)

Gene: SURF1 (SURF1 cytochrome c oxidase assembly factor; minus strand). Cytogenetic location: 9q34.2.
Variant type: single nucleotide variant.
Coding change: c.588G>A on transcript NM_003172.4 (MANE Select); coding-DNA position 588, G replaced by A.
Protein change: p.Gln196=; no amino-acid change (glutamine 196 retained).
Molecular consequence: synonymous variant.
Genome position (GRCh38, 1-based): chr9:133,352,694, C>T on the plus strand (G>A on the coding strand, the complement: SURF1 is on the minus strand). VCF-style: chr9-133352694-C-T. GRCh37 (hg19) VCF-style: chr9-136219549-C-T.
Other names: c.261G>A, p.Gln87= (NM_001280787.1).
Identifiers: ClinVar variation 2174112 (VCV002174112.1), dbSNP rs989408796, ClinGen allele CA200832492.

ClinVar aggregate classification (germline): Uncertain significance (1 of 4 stars; one submission).

Conditions:
Leigh syndrome (NULS). Also called: Leigh's syndrome; Subacute necrotizing encephalopathy; Necrotizing encephalopathy infantile subacute of Leigh; Leigh Disease; Leigh's necrotizing encephalopathy; Leigh's disease. Identifiers: Orphanet 506, MedGen C2931891, MONDO:0009723, OMIM 256000.

Allele frequency attached by ClinVar (database versions not stated): TOPMed below 0.00001; gnomAD exomes 0.00001.
gnomAD v4.1: 12 of 1,613,658 alleles (0.00074%); highest among the groups gnomAD compares: Non-Finnish European, 0.00085%; no homozygotes.

Submission:

Labcorp Genetics (formerly Invitae), Labcorp
Classification: Uncertain significance for Leigh syndrome. Last evaluated: 2022-09-09. Review status: criteria provided, single submitter. Criteria: Invitae Variant Classification Sherloc (09022015). Collection method: clinical testing. Allele origin: germline.
Comment: This sequence change affects codon 196 of the SURF1 mRNA. It is a 'silent' change, meaning that it does not change the encoded amino acid sequence of the SURF1 protein. This variant also falls at the last nucleotide of exon 6, which is part of the consensus splice site for this exon. This variant is not present in population databases (gnomAD no frequency). This variant has not been reported in the literature in individuals affected with SURF1-related conditions. Variants that disrupt the consensus splice site are a relatively common cause of aberrant splicing (PMID: 17576681, 9536098). Algorithms developed to predict the effect of sequence changes on RNA splicing suggest that this variant may disrupt the consensus splice site. In summary, the available evidence is currently insufficient to determine the role of this variant in disease. Therefore, it has been classified as a Variant of Uncertain Significance.

Literature cited by the submitters: PubMed 17576681; PubMed 9536098.